The following is an entry in ClinVar:

ClinVar aggregate classification (germline): Likely benign (0 of 4 stars; one submission).

Conditions:
KIF23-related disorder. Also called: KIF23-related condition.

Allele frequency attached by ClinVar (database versions not stated): TOPMed 0.00001.

Submission:

PreventionGenetics, part of Exact Sciences
Classification: Likely benign for KIF23-related condition. Last evaluated: 2021-08-01. Review status: no assertion criteria provided. Collection method: clinical testing. Allele origin: germline.
Comment: This variant is classified as likely benign based on ACMG/AMP sequence variant interpretation guidelines (Richards et al. 2015 PMID: 25741868, with internal and published modifications).

NM_001367805.3(KIF23):c.2110-10A>C

Gene: KIF23 (kinesin family member 23; plus strand). Cytogenetic location: 15q23.
Variant type: single nucleotide variant.
Coding change: c.2110-10A>C on transcript NM_001367805.3 (MANE Select); 10 bases into the intron before coding-DNA position 2110, A replaced by C.
Molecular consequence: intron variant.
Genome position (GRCh38, 1-based): chr15:69,440,758, A>C. VCF-style: chr15-69440758-A-C. GRCh37 (hg19) VCF-style: chr15-69733097-A-C.
Other names: c.2068-10A>C (NM_138555.4, NM_001367804.2); c.2067+271A>C (NM_004856.7); c.1738-10A>C (NM_001281301.2).
Identifiers: ClinVar variation 3056833 (VCV003056833.2), dbSNP rs775119915, ClinGen allele CA272526314.